The following is an entry in ClinVar:

ClinVar aggregate classification (germline): Pathogenic. Review status: criteria provided, multiple submitters, no conflicts (2 of 4 stars). 2 submissions from 2 submitters: Pathogenic (2). Last evaluated 2025-07-16.

Conditions:
Familial adenomatous polyposis 1 (FAP1). Also called: POLYPOSIS, ADENOMATOUS INTESTINAL; FAMILIAL ADENOMATOUS POLYPOSIS 1, ATTENUATED. Identifiers: MedGen C2713442, MONDO:0021056, OMIM 175100. Disease mechanism: loss of function.

Submissions (2):

Labcorp Genetics (formerly Invitae), Labcorp
Classification: Pathogenic for Familial adenomatous polyposis 1. Last evaluated: 2025-07-16. Review status: criteria provided, single submitter. Criteria: Invitae Variant Classification Sherloc (09022015). Collection method: clinical testing. Allele origin: germline.
Comment: This sequence change creates a premature translational stop signal (p.Asn1070Lysfs*11) in the APC gene. While this is not anticipated to result in nonsense mediated decay, it is expected to disrupt the last 1774 amino acid(s) of the APC protein. This variant is not present in population databases (gnomAD no frequency). This variant has not been reported in the literature in individuals affected with APC-related conditions. ClinVar contains an entry for this variant (Variation ID: 2033800). This variant is expected to disrupt the EB1 and HDLG binding sites, which mediate interactions with the cytoskeleton (PMID: 15311282, 17293347). While functional studies have not been performed to directly test the effect on APC protein function, this suggests that disruption of the C-terminal portion of the protein is functionally important. A different truncation (p.Tyr2645Lysfs*14) that lies downstream of this variant has been determined to be pathogenic (PMID: 9824584, 1316610, 27081525, 8381579, 22135120, internal data). This suggests that deletion of this region of the APC protein is causative of disease. For these reasons, this variant has been classified as Pathogenic.

Myriad Genetics, Inc.
Classification: Pathogenic for Familial adenomatous polyposis 1. Last evaluated: 2023-05-08. Review status: criteria provided, single submitter. Criteria: Myriad Autosomal Dominant, Autosomal Recessive and X-Linked Classification Criteria (2023). Collection method: clinical testing. Allele origin: unknown.
Comment: This variant is considered pathogenic. This variant creates a frameshift predicted to result in premature protein truncation.

Literature cited by the submitters: PubMed 15311282 (cited by Labcorp Genetics (formerly Invitae), Labcorp); PubMed 17293347 (cited by Labcorp Genetics (formerly Invitae), Labcorp); PubMed 9824584 (cited by Labcorp Genetics (formerly Invitae), Labcorp); PubMed 1316610 (cited by Labcorp Genetics (formerly Invitae), Labcorp); PubMed 27081525 (cited by Labcorp Genetics (formerly Invitae), Labcorp); PubMed 8381579 (cited by Labcorp Genetics (formerly Invitae), Labcorp); PubMed 22135120 (cited by Labcorp Genetics (formerly Invitae), Labcorp).

NM_000038.6(APC):c.3209dup (p.Asn1070fs)

Gene: APC (APC regulator of Wnt signaling pathway; plus strand). Cytogenetic location: 5q22.2.
Variant type: Duplication.
Coding change: c.3209dup on transcript NM_000038.6 (MANE Select); coding-DNA position 3209, one base duplicated (A; older notation c.3209dupA).
Protein change: p.Asn1070fs; shifts the reading frame from asparagine 1070.
Molecular consequence: frameshift variant.
Genome position (GRCh38, 1-based): chr5:112,838,803, A duplicated; the last of 2 consecutive A bases (chr5:112,838,802-112,838,803); duplicating either gives the same sequence. VCF-style (leftmost placement, unchanged base first): chr5-112838801-G-GA. GRCh37 (hg19) VCF-style: chr5-112174498-G-GA.
Other names: c.3209dup, p.Asn1070fs (NM_001127510.3, NM_001354895.2); c.3155dup, p.Asn1052fs (NM_001127511.3); c.3263dup, p.Asn1088fs (NM_001354896.2); c.3239dup, p.Asn1080fs (NM_001354897.2); c.3134dup, p.Asn1045fs (NM_001354898.2); c.3125dup, p.Asn1042fs (NM_001354899.2); c.3086dup, p.Asn1029fs (NM_001354900.2); c.3032dup, p.Asn1011fs (NM_001354901.2); and 16 more; short protein forms N1042fs, N1070fs, N910fs, N1080fs, N1088fs, N944fs, N969fs, N1011fs.
Identifiers: ClinVar variation 2033800 (VCV002033800.5), dbSNP rs2533479941, ClinGen allele CA2580072829.
Genomic context (GRCh38, chr5:112,838,801, plus strand): 5'-GGCAAGACCCAAACACATAATAGAAGATGAAATAAAACAAAGTGAGCAAAGACAATCAAG[G>GA]AATCAAAGTACAACTTATCCTGTTTATACTGAGAGCACTGATGATAAACACCTCAAGTTC-3'